The following is an entry in ClinVar:

NM_003073.5(SMARCB1):c.473G>A (p.Arg158Gln)

Gene: SMARCB1 (SWI/SNF related BAF chromatin remodeling complex subunit B1; plus strand). Cytogenetic location: 22q11.23.
Variant type: single nucleotide variant.
Coding change: c.473G>A on transcript NM_003073.5 (MANE Select); coding-DNA position 473, G replaced by A.
Protein change: p.Arg158Gln; replaces arginine 158 with glutamine.
Molecular consequence: missense variant.
Genome position (GRCh38, 1-based): chr22:23,801,054, G>A. VCF-style: chr22-23801054-G-A. GRCh37 (hg19) VCF-style: chr22-24143241-G-A.
Other names: c.446G>A, p.Arg149Gln (NM_001007468.3, NM_001317946.2); c.473G>A, p.Arg158Gln (NM_001362877.2); short protein forms R149Q, R158Q.
Identifiers: ClinVar variation 2196498 (VCV002196498.8), dbSNP rs1232172026, ClinGen allele CA410934531.

ClinVar aggregate classification (germline): Uncertain significance. Review status: criteria provided, multiple submitters, no conflicts (2 of 4 stars). 3 submissions from 3 submitters: Uncertain significance (3). Last evaluated 2025-12-30.

Conditions:
Hereditary cancer-predisposing syndrome. Also called: Hereditary neoplastic syndrome; Neoplastic Syndromes, Hereditary; Hereditary Cancer Syndrome; Tumor predisposition. Identifiers: Orphanet 140162, MedGen C0027672, MeSH D009386, MONDO:0015356.

gnomAD v4.1: 1 of 1,614,192 alleles (0.000062%); highest among the groups gnomAD compares: Non-Finnish European, 0.000085%; no homozygotes.

Submissions (3):

Women's Health and Genetics/Laboratory Corporation of America, LabCorp
Classification: Uncertain significance. Last evaluated: 2025-12-30. Review status: criteria provided, single submitter. Criteria: LabCorp Variant Classification Summary - May 2015. Collection method: clinical testing. Allele origin: germline.
Comment: Variant summary: SMARCB1 c.473G>A (p.Arg158Gln) results in a conservative amino acid change in the encoded protein sequence. Algorithms developed to predict the effect of missense changes on protein structure and function are either unavailable or do not agree on the potential impact of this missense change. The variant allele was found at a frequency of 4e-06 in 251470 control chromosomes. The available data on variant occurrences in the general population are insufficient to allow any conclusion about variant significance. To our knowledge, no occurrence of c.473G>A in individuals affected with SMARCB1-related conditions and no experimental evidence demonstrating its impact on protein function have been reported. ClinVar contains an entry for this variant (Variation ID: 2196498). Based on the evidence outlined above, the variant was classified as uncertain significance.

Ambry Genetics
Classification: Uncertain significance for Hereditary cancer-predisposing syndrome. Last evaluated: 2024-09-13. Review status: criteria provided, single submitter. Criteria: Ambry Variant Classification Scheme 2023. Collection method: clinical testing. Allele origin: germline.
Comment: The p.R158Q variant (also known as c.473G>A), located in coding exon 4 of the SMARCB1 gene, results from a G to A substitution at nucleotide position 473. The arginine at codon 158 is replaced by glutamine, an amino acid with highly similar properties. This amino acid position is highly conserved in available vertebrate species. In addition, the in silico prediction for this alteration is inconclusive. This variant has been detected in multiple individuals with no reported features of Coffin-Siris syndrome (Ambry internal data). Based on the supporting evidence, the association of this alteration with SMARCB1-related tumor predisposition syndrome is unknown; however, the association of this alteration with Coffin-Siris syndrome is unlikely.

Labcorp Genetics (formerly Invitae), Labcorp
Classification: Uncertain significance. Last evaluated: 2024-07-15. Review status: criteria provided, single submitter. Criteria: Invitae Variant Classification Sherloc (09022015). Collection method: clinical testing. Allele origin: germline.
Comment: This sequence change replaces arginine, which is basic and polar, with glutamine, which is neutral and polar, at codon 158 of the SMARCB1 protein (p.Arg158Gln). This variant is present in population databases (no rsID available, gnomAD 0.0009%). This variant has not been reported in the literature in individuals affected with SMARCB1-related conditions. ClinVar contains an entry for this variant (Variation ID: 2196498). Advanced modeling of protein sequence and biophysical properties (such as structural, functional, and spatial information, amino acid conservation, physicochemical variation, residue mobility, and thermodynamic stability) performed at Invitae indicates that this missense variant is not expected to disrupt SMARCB1 protein function with a negative predictive value of 80%. In summary, the available evidence is currently insufficient to determine the role of this variant in disease. Therefore, it has been classified as a Variant of Uncertain Significance.